The following is an entry in ClinVar:

ClinVar aggregate classification (germline): Uncertain significance (1 of 4 stars; one submission).

Conditions:
SIN3A-related disorder. Also called: SIN3A-related condition.

Submission:

PreventionGenetics, part of Exact Sciences
Classification: Uncertain significance for SIN3A-related condition. Last evaluated: 2023-05-16. Review status: criteria provided, single submitter. Criteria: ACMG Guidelines, 2015. Collection method: clinical testing. Allele origin: germline.
Comment: The SIN3A c.2817C>G variant is predicted to result in the amino acid substitution p.Asp939Glu. To our knowledge, this variant has not been reported in the literature or in a large population database, indicating this variant is rare. At this time, the clinical significance of this variant is uncertain due to the absence of conclusive functional and genetic evidence.

NM_001145358.2(SIN3A):c.2817C>G (p.Asp939Glu)

Gene: SIN3A (SIN3 transcription regulator family member A; minus strand). Cytogenetic location: 15q24.2.
Variant type: single nucleotide variant.
Coding change: c.2817C>G on transcript NM_001145358.2 (MANE Select); coding-DNA position 2817, C replaced by G.
Protein change: p.Asp939Glu; replaces aspartic acid 939 with glutamic acid.
Molecular consequence: missense variant.
Genome position (GRCh38, 1-based): chr15:75,392,276, G>C on the plus strand (C>G on the coding strand, the complement: SIN3A is on the minus strand). VCF-style: chr15-75392276-G-C. GRCh37 (hg19) VCF-style: chr15-75684617-G-C.
Other names: c.2817C>G, p.Asp939Glu (NM_001145357.2, NM_015477.3); short protein forms D939E.
Identifiers: ClinVar variation 2632686 (VCV002632686.1), dbSNP rs2543073975, ClinGen allele CA393490374.